The following is an entry in ClinVar:

ClinVar aggregate classification (germline): Conflicting classifications of pathogenicity. Review status: criteria provided, conflicting classifications (1 of 4 stars). 2 submissions from 2 submitters: Uncertain significance (1); Likely benign (1). Last evaluated 2024-09-01.

Conditions:
Inborn genetic diseases. Identifiers: MedGen C0950123, MeSH D030342.

Submissions (2):

Ambry Genetics
Classification: Likely benign for Inborn genetic diseases. Last evaluated: 2024-09-01. Review status: criteria provided, single submitter. Criteria: Ambry Variant Classification Scheme 2023. Collection method: clinical testing. Allele origin: germline.

Labcorp Genetics (formerly Invitae), Labcorp
Classification: Uncertain significance. Last evaluated: 2024-03-11. Review status: criteria provided, single submitter. Criteria: Invitae Variant Classification Sherloc (09022015). Collection method: clinical testing. Allele origin: germline.
Comment: This sequence change replaces valine, which is neutral and non-polar, with methionine, which is neutral and non-polar, at codon 99 of the TCF20 protein (p.Val99Met). This variant is present in population databases (rs781682890, gnomAD 0.01%). This variant has not been reported in the literature in individuals affected with TCF20-related conditions. An algorithm developed to predict the effect of missense changes on protein structure and function (PolyPhen-2) suggests that this variant is likely to be disruptive. In summary, the available evidence is currently insufficient to determine the role of this variant in disease. Therefore, it has been classified as a Variant of Uncertain Significance.

NM_001378418.1(TCF20):c.295G>A (p.Val99Met)

Gene: TCF20 (transcription factor 20; minus strand). Cytogenetic location: 22q13.2.
Variant type: single nucleotide variant.
Coding change: c.295G>A on transcript NM_001378418.1 (MANE Select); coding-DNA position 295, G replaced by A.
Protein change: p.Val99Met; replaces valine 99 with methionine.
Molecular consequence: missense variant.
Genome position (GRCh38, 1-based): chr22:42,215,011, C>T on the plus strand (G>A on the coding strand, the complement: TCF20 is on the minus strand). VCF-style: chr22-42215011-C-T. GRCh37 (hg19) VCF-style: chr22-42611017-C-T.
Other names: c.295G>A, p.Val99Met (NM_005650.4, NM_181492.3); short protein forms V99M.
Identifiers: ClinVar variation 3454107 (VCV003454107.3).